The following is an entry in ClinVar:

NM_002069.6(GNAI1):c.814G>A (p.Asp272Asn)

Gene: GNAI1 (G protein subunit alpha i1; plus strand). Cytogenetic location: 7q21.11.
Variant type: single nucleotide variant.
Coding change: c.814G>A on transcript NM_002069.6 (MANE Select); coding-DNA position 814, G replaced by A.
Protein change: p.Asp272Asn; replaces aspartic acid 272 with asparagine.
Molecular consequence: missense variant.
Genome position (GRCh38, 1-based): chr7:80,212,809, G>A. VCF-style: chr7-80212809-G-A. GRCh37 (hg19) VCF-style: chr7-79842125-G-A.
Other names: c.658G>A, p.Asp220Asn (NM_001256414.2); short protein forms D220N, D272N.
Identifiers: ClinVar variation 1335674 (VCV001335674.38), dbSNP rs2115712706, ClinGen allele CA368013081.

ClinVar aggregate classification (germline): Pathogenic/Likely pathogenic. Review status: criteria provided, multiple submitters, no conflicts (2 of 4 stars). 2 submissions from 2 submitters: Pathogenic (1); Likely pathogenic (1). Last evaluated 2024-07-15.

Conditions:
Neurodevelopmental disorder with hypotonia, impaired speech, and behavioral abnormalities (NEDHISB). Also called: GNAI1-Related Neurodevelopmental Disorder. Identifiers: MedGen C5676975, MONDO:0859243, OMIM 619854.

Submissions (2):

Institute of Human Genetics, University of Leipzig Medical Center
Classification: Pathogenic for Neurodevelopmental disorder with hypotonia, impaired speech, and behavioral abnormalities. Last evaluated: 2024-07-15. Review status: criteria provided, single submitter. Criteria: ACMG Guidelines, 2015. Collection method: clinical testing. Allele origin: de novo. Inheritance: Autosomal dominant inheritance. Affected: yes.
Comment: Criteria applied: PM5_STR,PM2,PS4_SUP,PP3,PS2_MOD

CeGaT Center for Human Genetics Tuebingen
Classification: Likely pathogenic. Last evaluated: 2021-11-01. Review status: criteria provided, single submitter. Criteria: CeGaT Center For Human Genetics Tuebingen Variant Classification Criteria Version 2. Collection method: clinical testing. Allele origin: germline. Affected: yes. Observed: 1 variant allele.